The following is an entry in ClinVar:

ClinVar aggregate classification (germline): Uncertain significance (1 of 4 stars; one submission).

Conditions:
Ichthyosis linearis circumflexa. Identifiers: MedGen C0265962, MONDO:0043106, HP:0025810.

Submission:

Labcorp Genetics (formerly Invitae), Labcorp
Classification: Uncertain significance for Ichthyosis linearis circumflexa. Last evaluated: 2019-02-10. Review status: criteria provided, single submitter. Criteria: Invitae Variant Classification Sherloc (09022015). Collection method: clinical testing. Allele origin: germline.
Comment: This sequence change replaces alanine with proline at codon 347 of the SPINK5 protein (p.Ala347Pro). The alanine residue is moderately conserved and there is a small physicochemical difference between alanine and proline. This variant is not present in population databases (ExAC no frequency). This variant has not been reported in the literature in individuals with SPINK5-related conditions. Algorithms developed to predict the effect of missense changes on protein structure and function are either unavailable or do not agree on the potential impact of this missense change (SIFT: "Deleterious"; PolyPhen-2: "Probably Damaging"; Align-GVGD: "Class C0"). In summary, the available evidence is currently insufficient to determine the role of this variant in disease. Therefore, it has been classified as a Variant of Uncertain Significance.

NM_006846.4(SPINK5):c.1039G>C (p.Ala347Pro)

Gene: SPINK5 (serine peptidase inhibitor Kazal type 5; plus strand). Cytogenetic location: 5q32.
Variant type: single nucleotide variant.
Coding change: c.1039G>C on transcript NM_006846.4 (MANE Select); coding-DNA position 1039, G replaced by C.
Protein change: p.Ala347Pro; replaces alanine 347 with proline.
Molecular consequence: missense variant.
Genome position (GRCh38, 1-based): chr5:148,099,262, G>C. VCF-style: chr5-148099262-G-C. GRCh37 (hg19) VCF-style: chr5-147478825-G-C.
Other names: c.1039G>C, p.Ala347Pro (NM_001127698.2, NM_001127699.2); short protein forms A347P.
Identifiers: ClinVar variation 842369 (VCV000842369.10), dbSNP rs1336825417, ClinGen allele CA361635732.